The following is an entry in ClinVar:

ClinVar aggregate classification (germline): Uncertain significance. Review status: criteria provided, multiple submitters, no conflicts (2 of 4 stars). 3 submissions from 3 submitters: Uncertain significance (3). Last evaluated 2025-06-18.

Conditions:
Familial thoracic aortic aneurysm and aortic dissection (TAAD). Also called: Thoracic aortic aneurysms and dissections. Identifiers: Orphanet 91387, MedGen C4707243, MONDO:0019625.

Submissions (3):

GeneDx
Classification: Uncertain significance. Last evaluated: 2025-06-18. Review status: criteria provided, single submitter. Criteria: GeneDx Variant Classification Process June 2021. Collection method: clinical testing. Allele origin: germline. Affected: yes.
Comment: Not observed at significant frequency in large population cohorts (gnomAD); In silico analysis supports that this missense variant has a deleterious effect on protein structure/function; Has not been previously published as pathogenic or benign to our knowledge

All of Us Research Program, National Institutes of Health
Classification: Uncertain significance for Familial thoracic aortic aneurysm and aortic dissection. Last evaluated: 2024-09-23. Review status: criteria provided, single submitter. Criteria: ACMG Guidelines, 2015. Collection method: clinical testing. Allele origin: germline. Inheritance: Autosomal dominant inheritance. Observed: 1 variant allele, 1 heterozygote.
Comment: This study involves interpretation of variants in research participants for the purpose of population health screening. Participant phenotype was not available at the time of variant classification. Additional details can be found in publication PMID: 35346344, PMCID: PMC8962531

ARUP Laboratories, Molecular Genetics and Genomics, ARUP Laboratories
Classification: Uncertain significance. Last evaluated: 2023-03-21. Review status: criteria provided, single submitter. Criteria: ARUP Molecular Germline Variant Investigation Process 2024. Collection method: clinical testing. Allele origin: germline.
Comment: The MYH11 c.3839A>G; p.Asp1280Gly variant (rs2040789824), to our knowledge, is not reported in the medical literature or gene specific databases. This variant is also absent from the Genome Aggregation Database, indicating it is not a common polymorphism. Computational analyses are uncertain whether this variant is neutral or deleterious (REVEL: 0.411). Due to limited information, the clinical significance of this variant is uncertain at this time.

NM_002474.3(MYH11):c.3839A>G (p.Asp1280Gly)

Gene: MYH11 (myosin heavy chain 11; minus strand). Cytogenetic location: 16p13.11.
Variant type: single nucleotide variant.
Coding change: c.3839A>G on transcript NM_002474.3 (MANE Select); coding-DNA position 3839, A replaced by G.
Protein change: p.Asp1280Gly; replaces aspartic acid 1280 with glycine.
Molecular consequence: missense variant.
Genome position (GRCh38, 1-based): chr16:15,726,867, T>C on the plus strand (A>G on the coding strand, the complement: MYH11 is on the minus strand). VCF-style: chr16-15726867-T-C. GRCh37 (hg19) VCF-style: chr16-15820724-T-C.
Other names: c.3839A>G (NM_002474.2); c.3860A>G, p.Asp1287Gly (NM_001040113.2, NM_001040114.2); c.3839A>G, p.Asp1280Gly (NM_022844.3); short protein forms D1280G, D1287G.
Identifiers: ClinVar variation 2920888 (VCV002920888.3), dbSNP rs2040789824, ClinGen allele CA394859962.
Genomic context (GRCh38, chr16:15,726,867, plus strand): 5'-CACCCAGCACTGCCCACCACACCACCGCGCCACCTCCTCACCTGCAGCTTGTGGACTTTG[T>C]CATTGAGCTCCGCCCGGGCCCGCTCCCCATCGCTGCACTTGGACTGCAGCTCCTGCACCT-3'
Protein context (NP_002465.1, residues 1270-1290): DGERARAELN[Asp1280Gly]KVHKLQNEVE